The following is an entry in ClinVar:

ClinVar aggregate classification (germline): Pathogenic (1 of 4 stars; one submission).

Conditions:
Fabry disease. Also called: ALPHA-GALACTOSIDASE A DEFICIENCY; ANDERSON-FABRY DISEASE; CERAMIDE TRIHEXOSIDASE DEFICIENCY; GLA DEFICIENCY; HEREDITARY DYSTOPIC LIPIDOSIS; Angiokeratoma corporis diffusum. Identifiers: Orphanet 324, MedGen C0002986, MONDO:0010526, OMIM 301500, HP:0001071. Disease mechanism: Fabry disease is due to inactivating mutations in the X-linked GLA gene resulting in deficiency of the enzyme Alpha Galactosidase-A., loss of function.

Submission:

Genomenon, Inc
Classification: Pathogenic for Fabry disease. Last evaluated: 2026-09-08. Review status: criteria provided, single submitter. Criteria: Genomenon Sequence Variant Interpretation Standards - Updated. Collection method: curation. Allele origin: germline. Affected: yes.
Comment: GLA c.640-3C>G is an intronic variant located in the acceptor splice region of intron 4. This variant has been observed in at least one proband with clinical features consistent with Fabry disease (PMID:28728877;34960158;33807900;30644091). Functional or patient cell studies have been reported (PMID:30644091). At least one splicing study has demonstrated that this variant results in aberrant splicing (PMID:37254000). It is absent or not present at a significant frequency in gnomAD. In conclusion, we classify GLA c.640-3C>G as a pathogenic variant.

Literature cited by the submitters: PubMed 28728877; PubMed 34960158; PubMed 33807900; PubMed 30644091; PubMed 37254000.

NM_000169.3(GLA):c.640-3C>G

Genes: GLA (galactosidase alpha; minus strand), RPL36A-HNRNPH2 (RPL36A-HNRNPH2 readthrough; plus strand). Cytogenetic location: Xq22.1.
Variant type: single nucleotide variant.
Coding change: c.640-3C>G on transcript NM_000169.3 (MANE Select); 3 bases into the intron before coding-DNA position 640, C replaced by G.
Molecular consequence: intron variant.
Genome position (GRCh38, 1-based): chrX:101,398,949, G>C on the plus strand (C>G on the coding strand, the complement: GLA is on the minus strand). VCF-style: chrX-101398949-G-C. GRCh37 (hg19) VCF-style: chrX-100653937-G-C.
Other names: c.300+3492G>C (NM_001199973.2); c.177+7127G>C (NM_001199974.2); c.763-3C>G (NM_001406747.1); c.640-3C>G (NM_001406748.1).
Identifiers: ClinVar variation 4087126 (VCV004087126.2), dbSNP rs782544621.